The following is an entry in ClinVar:

ClinVar aggregate classification (germline): Pathogenic (1 of 4 stars; one submission).

Conditions:
Intellectual developmental disorder 62. Also called: INTELLECTUAL DEVELOPMENTAL DISORDER, AUTOSOMAL DOMINANT 62; MENTAL RETARDATION, AUTOSOMAL DOMINANT 62. Identifiers: MedGen C5394083, MONDO:0032919, OMIM 618793.

Submission:

Victorian Clinical Genetics Services, Murdoch Childrens Research Institute
Classification: Pathogenic for Intellectual developmental disorder 62. Last evaluated: 2022-09-02. Review status: criteria provided, single submitter. Criteria: ACMG Guidelines, 2015. Collection method: clinical testing. Allele origin: germline. Inheritance: Autosomal dominant inheritance. Affected: yes.
Comment: Based on the classification scheme VCGS_Germline_v1.3.4, this variant is classified as Pathogenic. Following criteria are met: 0102 - Loss of function is a known mechanism of disease in this gene and is associated with intellectual developmental disorder 62 (MIM#618793). (I) 0107 - This gene is associated with autosomal dominant disease. (I) 0201 - Variant is predicted to cause nonsense-mediated decay (NMD) and loss of protein (premature termination codon is located at least 54 nucleotides upstream of the final exon-exon junction). (SP) 0251 - This variant is heterozygous. (I) 0301 - Variant is absent from gnomAD (both v2 and v3). (SP) 0701 - Other NMD-predicted variants comparable to the one identified in this case have very strong previous evidence for pathogenicity (DECIPHER). (SP) 0807 - This variant has no previous evidence of pathogenicity. (I) 0905 - No published segregation evidence has been identified for this variant. (I) 1007 - No published functional evidence has been identified for this variant. (I) 1208 - Inheritance information for this variant is not currently available in this individual. (I) Legend: (SP) - Supporting pathogenic, (I) - Information, (SB) - Supporting benign

NM_001321075.3(DLG4):c.410_411del (p.Leu137fs)

Gene: DLG4 (discs large MAGUK scaffold protein 4; minus strand). Cytogenetic location: 17p13.1.
Variant type: Deletion.
Coding change: c.410_411del on transcript NM_001321075.3 (MANE Select); coding-DNA positions 410 to 411, 2 bases deleted (TC; older notation c.410_411delTC).
Protein change: p.Leu137fs; shifts the reading frame from leucine 137.
Molecular consequence: frameshift variant. On other transcripts: non-coding transcript variant (1).
Genome position (GRCh38, 1-based): chr17:7,203,518-7,203,519, GA deleted on the plus strand (TC on the coding strand, the reverse complement: DLG4 is on the minus strand); deleting any 2 consecutive bases within chr17:7,203,518-7,203,520 gives the same sequence; the c. name uses the placement nearest the transcript's 3' end. VCF-style (leftmost placement, unchanged base first): chr17-7203517-TGA-T. GRCh37 (hg19) VCF-style: chr17-7106836-TGA-T.
Other names: c.401_402del, p.Leu134fs (NM_001128827.4); c.530_531del, p.Leu177fs (NM_001321074.1); c.230_231del, p.Leu77fs (NM_001321076.3, NM_001321077.3); c.538_539delCT, p.Leu180Glnfs (NM_001365.5); c.329_330del, p.Leu110fs (NM_001369566.3); short protein forms L110fs, L134fs, L137fs, L177fs, L180fs, L77fs.
Identifiers: ClinVar variation 1699291 (VCV001699291.3), dbSNP rs2142885592, ClinGen allele CA2573130286.